The following is an entry in ClinVar:

NM_001308093.3(GATA4):c.343G>T (p.Gly115Trp)

Gene: GATA4 (GATA binding protein 4). Cytogenetic location: 8p23.1.
Variant type: single nucleotide variant.
Coding change: c.343G>T on transcript NM_001308093.3 (MANE Select); coding-DNA position 343, G replaced by T.
Protein change: p.Gly115Trp; replaces glycine 115 with tryptophan.
Molecular consequence: missense variant. On other transcripts: intron variant (3).
Genome position (GRCh38, 1-based): chr8:11,708,655, G>T. VCF-style: chr8-11708655-G-T. GRCh37 (hg19) VCF-style: chr8-11566164-G-T.
Other names: c.343G>T, p.Gly115Trp (NM_002052.5); c.-6+7877G>T (NM_001308094.2); c.-3+641G>T (NM_001374274.1); c.-3+4351G>T (NM_001374273.1); short protein forms G115W.
Identifiers: ClinVar variation 1444319 (VCV001444319.7), dbSNP rs1488801698, ClinGen allele CA370309431.
Genomic context (GRCh38, chr8:11,708,655, plus strand): 5'-GACGGAGCCGCTTACACCCCGCCGCCGGTGTCGCCGCGCTTCTCCTTCCCGGGGACCACC[G>T]GGTCCCTGGCGGCCGCCGCCGCCGCTGCCGCGGCCCGGGAAGCTGCGGCCTACAGCAGTG-3'
Protein context (NP_001295022.1, residues 105-125): SPRFSFPGTT[Gly115Trp]SLAAAAAAAA

ClinVar aggregate classification (germline): Uncertain significance. Review status: criteria provided, multiple submitters, no conflicts (2 of 4 stars). 2 submissions from 2 submitters: Uncertain significance (2). Last evaluated 2024-03-14.

Conditions:
Atrioventricular septal defect 4 (AVSD4). Identifiers: MedGen C3280781, MONDO:0013747, OMIM 614430.
Atrial septal defect 2 (ASD2). Identifiers: Orphanet 1478, MedGen C1842778, MONDO:0011938, OMIM 607941.
Ventricular septal defect 1 (VSD1). Identifiers: MedGen C3280777, MONDO:0013746, OMIM 614429.
Tetralogy of Fallot (TOF). Identifiers: Orphanet 3303, MedGen C0039685, MONDO:0008542, OMIM 187500, HP:0001636.
Testicular anomalies with or without congenital heart disease (TACHD). Identifiers: Orphanet 251510, MedGen C3809858, MONDO:0014239, OMIM 615542.

Submissions (2):

Fulgent Genetics
Classification: Uncertain significance for Tetralogy of Fallot; Atrial septal defect 2; Ventricular septal defect 1; Atrioventricular septal defect 4; Testicular anomalies with or without congenital heart disease. Last evaluated: 2024-03-14. Review status: criteria provided, single submitter. Criteria: ACMG Guidelines, 2015. Collection method: clinical testing. Allele origin: germline.

Labcorp Genetics (formerly Invitae), Labcorp
Classification: Uncertain significance for Atrioventricular septal defect 4. Last evaluated: 2021-11-19. Review status: criteria provided, single submitter. Criteria: Invitae Variant Classification Sherloc (09022015). Collection method: clinical testing. Allele origin: germline.
Comment: This sequence change replaces glycine, which is neutral and non-polar, with tryptophan, which is neutral and slightly polar, at codon 115 of the GATA4 protein (p.Gly115Trp). This variant is not present in population databases (gnomAD no frequency). This missense change has been observed in individual(s) with atrial septal defect (PMID: 27418595). In summary, the available evidence is currently insufficient to determine the role of this variant in disease. Therefore, it has been classified as a Variant of Uncertain Significance. Algorithms developed to predict the effect of missense changes on protein structure and function are either unavailable or do not agree on the potential impact of this missense change (SIFT: "Deleterious"; PolyPhen-2: "Possibly Damaging"; Align-GVGD: "Class C0"). Experimental studies have shown that this missense change affects GATA4 function (PMID: 27418595).

Literature cited by the submitters: PubMed 27418595 (cited by Labcorp Genetics (formerly Invitae), Labcorp).